The following is an entry in ClinVar:

NM_000238.4(KCNH2):c.2891C>G (p.Pro964Arg)

Gene: KCNH2 (potassium voltage-gated channel subfamily H member 2; minus strand). Cytogenetic location: 7q36.1.
Variant type: single nucleotide variant.
Coding change: c.2891C>G on transcript NM_000238.4 (MANE Select); coding-DNA position 2891, C replaced by G.
Protein change: p.Pro964Arg; replaces proline 964 with arginine.
Molecular consequence: missense variant.
Genome position (GRCh38, 1-based): chr7:150,947,680, G>C on the plus strand (C>G on the coding strand, the complement: KCNH2 is on the minus strand). VCF-style: chr7-150947680-G-C. GRCh37 (hg19) VCF-style: chr7-150644768-G-C.
Other names: c.1871C>G, p.Pro624Arg (NM_172057.3); short protein forms P624R, P964R.
Identifiers: ClinVar variation 1021720 (VCV001021720.6), dbSNP rs886427965, ClinGen allele CA169072486.

ClinVar aggregate classification (germline): Uncertain significance (1 of 4 stars; one submission).

Conditions:
Long QT syndrome (LQTS). Identifiers: MedGen C0023976, MeSH D008133, MONDO:0002442. Disease mechanism: loss of function. Inheritance: Various modes of inheritance.

Allele frequency attached by ClinVar (database versions not stated): gnomAD exomes below 0.00001; TOPMed below 0.00001.
gnomAD v4.1: 5 of 1,602,610 alleles (0.00031%); highest among the groups gnomAD compares: South Asian, 0.0045%; 1 homozygote.

Submission:

Labcorp Genetics (formerly Invitae), Labcorp
Classification: Uncertain significance for Long QT syndrome. Last evaluated: 2024-06-04. Review status: criteria provided, single submitter. Criteria: Invitae Variant Classification Sherloc (09022015). Collection method: clinical testing. Allele origin: germline.
Comment: This sequence change replaces proline, which is neutral and non-polar, with arginine, which is basic and polar, at codon 964 of the KCNH2 protein (p.Pro964Arg). This variant is not present in population databases (gnomAD no frequency). This variant has not been reported in the literature in individuals affected with KCNH2-related conditions. ClinVar contains an entry for this variant (Variation ID: 1021720). An algorithm developed to predict the effect of missense changes on protein structure and function (PolyPhen-2) suggests that this variant is likely to be disruptive. In summary, the available evidence is currently insufficient to determine the role of this variant in disease. Therefore, it has been classified as a Variant of Uncertain Significance.